The following is an entry in ClinVar:

NM_017617.5(NOTCH1):c.804C>A (p.Asn268Lys)

Gene: NOTCH1 (notch receptor 1; minus strand). Cytogenetic location: 9q34.3.
Variant type: single nucleotide variant.
Coding change: c.804C>A on transcript NM_017617.5 (MANE Select); coding-DNA position 804, C replaced by A.
Protein change: p.Asn268Lys; replaces asparagine 268 with lysine.
Molecular consequence: missense variant.
Genome position (GRCh38, 1-based): chr9:136,519,504, G>T on the plus strand (C>A on the coding strand, the complement: NOTCH1 is on the minus strand). VCF-style: chr9-136519504-G-T. GRCh37 (hg19) VCF-style: chr9-139413956-G-T.
Other names: short protein forms N268K.
Identifiers: ClinVar variation 1944276 (VCV001944276.5), dbSNP rs774222164, ClinGen allele CA375566474.

ClinVar aggregate classification (germline): Uncertain significance (1 of 4 stars; one submission).

Conditions:
Adams-Oliver syndrome 5 (AOS5). Identifiers: Orphanet 974, MedGen C4014970, MONDO:0014459, OMIM 616028.

Submission:

Labcorp Genetics (formerly Invitae), Labcorp
Classification: Uncertain significance for Adams-Oliver syndrome 5. Last evaluated: 2022-04-11. Review status: criteria provided, single submitter. Criteria: Invitae Variant Classification Sherloc (09022015). Collection method: clinical testing. Allele origin: germline.
Comment: This sequence change replaces asparagine, which is neutral and polar, with lysine, which is basic and polar, at codon 268 of the NOTCH1 protein (p.Asn268Lys). This variant is not present in population databases (gnomAD no frequency). This variant has not been reported in the literature in individuals affected with NOTCH1-related conditions. Algorithms developed to predict the effect of missense changes on protein structure and function (SIFT, PolyPhen-2, Align-GVGD) all suggest that this variant is likely to be disruptive. In summary, the available evidence is currently insufficient to determine the role of this variant in disease. Therefore, it has been classified as a Variant of Uncertain Significance.